The following is an entry in ClinVar:

NM_000026.4(ADSL):c.792+6T>C

Gene: ADSL (adenylosuccinate lyase; plus strand). Cytogenetic location: 22q13.1.
Variant type: single nucleotide variant.
Coding change: c.792+6T>C on transcript NM_000026.4 (MANE Select); 6 bases into the intron after coding-DNA position 792, T replaced by C.
Molecular consequence: intron variant.
Genome position (GRCh38, 1-based): chr22:40,360,498, T>C. VCF-style: chr22-40360498-T-C. GRCh37 (hg19) VCF-style: chr22-40756502-T-C.
Other names: c.792+6T>C (NM_001363840.3, NM_001123378.3); c.600+6T>C (NM_001317923.2).
Identifiers: ClinVar variation 1008537 (VCV001008537.4), dbSNP rs768892416, ClinGen allele CA10247811.
Genomic context (GRCh38, chr22:40,360,498, plus strand): 5'-AGTGGATATTGAAGTACTGTCTGTGCTGGCTAGCTTGGGGGCATCAGTGCACAAGGTGAG[T>C]GGTGGCAGCATGTGGGGTGGGGACAGGAGCTTTGGGCACCACAGACAGACTGAATTAACC-3'

ClinVar aggregate classification (germline): Uncertain significance (1 of 4 stars; one submission).

Conditions:
Adenylosuccinate lyase deficiency (ADSLD). Also called: ADSL DEFICIENCY. Identifiers: Orphanet 46, MedGen C0268126, MONDO:0007068, OMIM 103050.

Allele frequency attached by ClinVar (database versions not stated): gnomAD exomes 0.00001 and 0.00008; ExAC 0.00002; TOPMed 0.00004; gnomAD 0.00005 and 0.00006.
gnomAD v4.1: 126 of 1,611,780 alleles (0.0078%); highest among the groups gnomAD compares: Non-Finnish European, 0.01%; no homozygotes.

Submission:

Labcorp Genetics (formerly Invitae), Labcorp
Classification: Uncertain significance for Adenylosuccinate lyase deficiency. Last evaluated: 2022-07-26. Review status: criteria provided, single submitter. Criteria: Invitae Variant Classification Sherloc (09022015). Collection method: clinical testing. Allele origin: germline.
Comment: This sequence change falls in intron 7 of the ADSL gene. It does not directly change the encoded amino acid sequence of the ADSL protein. It affects a nucleotide within the consensus splice site. This variant is present in population databases (rs768892416, gnomAD 0.003%). This variant has not been reported in the literature in individuals affected with ADSL-related conditions. ClinVar contains an entry for this variant (Variation ID: 1008537). Variants that disrupt the consensus splice site are a relatively common cause of aberrant splicing (PMID: 17576681, 9536098). Algorithms developed to predict the effect of sequence changes on RNA splicing suggest that this variant is not likely to affect RNA splicing. In summary, the available evidence is currently insufficient to determine the role of this variant in disease. Therefore, it has been classified as a Variant of Uncertain Significance.

Literature cited by the submitters: PubMed 17576681; PubMed 9536098.